The following is an entry in ClinVar:

ClinVar aggregate classification (germline): Uncertain significance (1 of 4 stars; one submission).

Conditions:
Epilepsy. Also called: Seizure disorder. Identifiers: MedGen C0014544, MeSH D004827, MONDO:0005027.

Allele frequency attached by ClinVar (database versions not stated): gnomAD exomes below 0.00001; TOPMed 0.00001.
gnomAD v4.1: 1 of 1,611,278 alleles (0.000062%); highest among the groups gnomAD compares: Non-Finnish European, 0.000085%; no homozygotes.

Submission:

Labcorp Genetics (formerly Invitae), Labcorp
Classification: Uncertain significance for Epilepsy. Last evaluated: 2022-05-13. Review status: criteria provided, single submitter. Criteria: Invitae Variant Classification Sherloc (09022015). Collection method: clinical testing. Allele origin: germline.
Comment: Algorithms developed to predict the effect of missense changes on protein structure and function (SIFT, PolyPhen-2, Align-GVGD) all suggest that this variant is likely to be disruptive. This sequence change replaces tyrosine, which is neutral and polar, with histidine, which is basic and polar, at codon 405 of the PIGQ protein (p.Tyr405His). This variant is not present in population databases (gnomAD no frequency). This variant has not been reported in the literature in individuals affected with PIGQ-related conditions. In summary, the available evidence is currently insufficient to determine the role of this variant in disease. Therefore, it has been classified as a Variant of Uncertain Significance.

NM_004204.5(PIGQ):c.1213T>C (p.Tyr405His)

Gene: PIGQ (phosphatidylinositol glycan anchor biosynthesis class Q; plus strand). Cytogenetic location: 16p13.3.
Variant type: single nucleotide variant.
Coding change: c.1213T>C on transcript NM_004204.5 (MANE Select); coding-DNA position 1213, T replaced by C.
Protein change: p.Tyr405His; replaces tyrosine 405 with histidine.
Molecular consequence: missense variant.
Genome position (GRCh38, 1-based): chr16:578,928, T>C. VCF-style: chr16-578928-T-C. GRCh37 (hg19) VCF-style: chr16-628928-T-C.
Other names: c.1213T>C, p.Tyr405His (NM_148920.4); short protein forms Y405H.
Identifiers: ClinVar variation 2071422 (VCV002071422.4), dbSNP rs1393169749, ClinGen allele CA394057386.